The following is an entry in ClinVar:

ClinVar aggregate classification (germline): Conflicting classifications of pathogenicity. Review status: criteria provided, conflicting classifications (1 of 4 stars). 8 submissions from 8 submitters: Pathogenic (1); Likely pathogenic (2); Uncertain significance (3). 2 of the submissions do not count toward it. Last evaluated 2025-11-06.

Conditions:
ABCA4-related disorder. Also called: ABCA4-related condition; ABCA4-related disorders. Identifiers: MedGen CN239167.
Cone-rod dystrophy 3 (CORD3). Identifiers: Orphanet 1872, MedGen C1858806, MONDO:0011395, OMIM 604116.
Age related macular degeneration 2. Also called: MACULAR DEGENERATION, SENILE; MACULOPATHY, AGE-RELATED, 2; MACULOPATHY, AGE-RELATED. Identifiers: MedGen C3495438, MONDO:0007932, OMIM 153800.
Retinitis pigmentosa 19 (RP19). Also called: ABCA4-Related Retinitis Pigmentosa. Identifiers: Orphanet 791, MedGen C1866422, MONDO:0011137, OMIM 601718.
Severe early-childhood-onset retinal dystrophy (STGD1). Also called: MACULAR DYSTROPHY WITH FLECKS, TYPE 1; STGD; Stargardt disease 1; Stargardt macular dystrophy; Juvenile onset macular degeneration. Identifiers: Orphanet 364055, Orphanet 827, MedGen C1855465, MeSH D000080362, MONDO:0009549, OMIM 248200.

Allele frequency attached by ClinVar (database versions not stated): gnomAD exomes 0.00001; TOPMed 0.00001.

Submissions (8):

Labcorp Genetics (formerly Invitae), Labcorp
Classification: Pathogenic. Last evaluated: 2025-11-06. Review status: criteria provided, single submitter. Criteria: Invitae Variant Classification Sherloc (09022015). Collection method: clinical testing. Allele origin: germline.
Comment: This sequence change replaces alanine, which is neutral and non-polar, with threonine, which is neutral and polar, at codon 854 of the ABCA4 protein (p.Ala854Thr). This variant is present in population databases (rs61749437, gnomAD 0.002%). This missense change has been observed in individual(s) with Stargardt disease (PMID: 28041643, 32581362). ClinVar contains an entry for this variant (Variation ID: 99143). Invitae Evidence Modeling of protein sequence and biophysical properties (such as structural, functional, and spatial information, amino acid conservation, physicochemical variation, residue mobility, and thermodynamic stability) has been performed for this missense variant. However, the output from this modeling did not meet the statistical confidence thresholds required to predict the impact of this variant on ABCA4 protein function. Experimental studies have shown that this missense change affects ABCA4 function (PMID: 33375396). For these reasons, this variant has been classified as Pathogenic.

PreventionGenetics, part of Exact Sciences
Classification: Likely pathogenic for ABCA4-related condition. Last evaluated: 2024-11-01. Review status: criteria provided, single submitter. Criteria: ACMG Guidelines, 2015. Collection method: clinical testing. Allele origin: germline.
Comment: The ABCA4 c.2560G>A variant is predicted to result in the amino acid substitution p.Ala854Thr. This variant has been reported in individuals with ABCA4-related retinal disease (Webster et al. 2001. PubMed ID: 11328725; Table S1, Lin et al. 2024. PubMed ID: 38219857). A functional study using protein expression in cell culture found that the p.Ala854Thr substitution causes a moderate decrease in protein expression and ATPase activity (Garces et al. 2020. PubMed ID: 33375396). Similarly, a study using allele frequency in patients and the general population categorized this variant as moderate (Table S2A, Cornelis et al. 2022. PubMed ID: 35120629). This variant is reported in 0.0018% of alleles in individuals of European (Non-Finnish) descent in gnomAD. Given the evidence, we interpret this variant as likely pathogenic.

Fulgent Genetics
Classification: Likely pathogenic for Age related macular degeneration 2; Severe early-childhood-onset retinal dystrophy; Retinitis pigmentosa 19; Cone-rod dystrophy 3. Last evaluated: 2024-02-27. Review status: criteria provided, single submitter. Criteria: ACMG Guidelines, 2015. Collection method: clinical testing. Allele origin: germline.

Blueprint Genetics
Classification: Uncertain significance. Last evaluated: 2023-12-21. Review status: criteria provided, single submitter. Criteria: ACMG Guidelines, 2015. Collection method: clinical testing. Allele origin: germline.

Eurofins Ntd Llc (ga)
Classification: Uncertain significance. Last evaluated: 2014-09-26. Review status: criteria provided, single submitter. Criteria: EGL Classification Definitions 2015. Collection method: clinical testing. Allele origin: germline. Observed: 2 variant alleles, 2 heterozygotes.

Breakthrough Genomics
Classification: Uncertain significance. Review status: criteria provided, single submitter. Criteria: ACMG Guidelines, 2015. Collection method: not provided. Allele origin: germline. Inheritance: Autosomal recessive inheritance. Affected: yes.

NIHR Bioresource Rare Diseases, University of Cambridge
Classification: Likely pathogenic. Last evaluated: 2015-01-01. Review status: no assertion criteria provided. Collection method: research. Allele origin: unknown. Affected: yes. Observed: 2 variant alleles. Not counted in ClinVar's aggregate classification.

Retina International
No classification provided. Review status: no classification provided. Collection method: not provided. Allele origin: not provided. Not counted in ClinVar's aggregate classification.

Literature cited by the submitters: PubMed 28041643 (cited by Labcorp Genetics (formerly Invitae), Labcorp and NIHR Bioresource Rare Diseases, University of Cambridge); PubMed 32581362 (cited by Labcorp Genetics (formerly Invitae), Labcorp); PubMed 33375396 (cited by Labcorp Genetics (formerly Invitae), Labcorp); PubMed 11328725 (cited by Eurofins Ntd Llc (ga) and NIHR Bioresource Rare Diseases, University of Cambridge).

NM_000350.3(ABCA4):c.2560G>A (p.Ala854Thr)

Gene: ABCA4 (ATP binding cassette subfamily A member 4; minus strand). Cytogenetic location: 1p22.1.
Variant type: single nucleotide variant.
Coding change: c.2560G>A on transcript NM_000350.3 (MANE Select); coding-DNA position 2560, G replaced by A.
Protein change: p.Ala854Thr; replaces alanine 854 with threonine.
Molecular consequence: missense variant.
Genome position (GRCh38, 1-based): chr1:94,055,138, C>T on the plus strand (G>A on the coding strand, the complement: ABCA4 is on the minus strand). VCF-style: chr1-94055138-C-T. GRCh37 (hg19) VCF-style: chr1-94520694-C-T.
Other names: c.2338G>A, p.Ala780Thr (NM_001425324.1); short protein forms A854T, A780T.
Identifiers: ClinVar variation 99143 (VCV000099143.13), dbSNP rs61749437, ClinGen allele CA227010.